The following is an entry in ClinVar:

NM_000051.4(ATM):c.6976-16T>C

Genes: ATM (ATM serine/threonine kinase; plus strand), C11orf65 (chromosome 11 open reading frame 65; minus strand). Cytogenetic location: 11q22.3.
Variant type: single nucleotide variant.
Coding change: c.6976-16T>C on transcript NM_000051.4 (MANE Select); 16 bases into the intron before coding-DNA position 6976, T replaced by C.
Molecular consequence: intron variant.
Genome position (GRCh38, 1-based): chr11:108,327,629, T>C. VCF-style: chr11-108327629-T-C. GRCh37 (hg19) VCF-style: chr11-108198356-T-C.
Other names: c.6976-16T>C (NM_001351834.2); c.641-18558A>G (NM_001330368.2); c.*38+7591A>G (NM_001351110.2).
Identifiers: ClinVar variation 1967205 (VCV001967205.6), dbSNP rs2085805769, ClinGen allele CA1998809418.

ClinVar aggregate classification (germline): Likely benign. Review status: criteria provided, multiple submitters, no conflicts (2 of 4 stars). 2 submissions from 2 submitters: Likely benign (2). Last evaluated 2024-06-12.

Conditions:
Familial cancer of breast. Also called: BREAST CANCER, FAMILIAL; Hereditary breast cancer; hereditary breast carcinoma. Identifiers: Orphanet 227535, MedGen C0346153, MONDO:0016419, OMIM 114480. Disease mechanism: loss of function.
Ataxia-telangiectasia syndrome (AT). Also called: Ataxia-telangiectasia, complementation group D; AT, COMPLEMENTATION GROUP C; ATAXIA-TELANGIECTASIA, COMPLEMENTATION GROUP A; ATAXIA-TELANGIECTASIA, FRESNO VARIANT; Ataxia-telangiectasia, complementation group E; LOUIS-BAR SYNDROME. Identifiers: Orphanet 100, MedGen C0004135, MONDO:0008840, OMIM 208900.

Allele frequency attached by ClinVar (database versions not stated): gnomAD exomes below 0.00001.
gnomAD v4.1: 1 of 1,593,196 alleles (0.000063%); highest among the groups gnomAD compares: Non-Finnish European, 0.000086%; no homozygotes.

Submissions (2):

Myriad Genetics, Inc.
Classification: Likely benign for Familial cancer of breast. Last evaluated: 2024-06-12. Review status: criteria provided, single submitter. Criteria: Myriad Autosomal Dominant, Autosomal Recessive and X-Linked Classification Criteria (2023). Collection method: clinical testing. Allele origin: unknown.
Comment: This variant is considered likely benign. This variant is intronic and is not expected to impact mRNA splicing.

Labcorp Genetics (formerly Invitae), Labcorp
Classification: Likely benign for Ataxia-telangiectasia syndrome. Last evaluated: 2024-04-16. Review status: criteria provided, single submitter. Criteria: Invitae Variant Classification Sherloc (09022015). Collection method: clinical testing. Allele origin: germline.